The following is an entry in ClinVar:

NM_000512.5(GALNS):c.1258C>T (p.Pro420Ser)

Gene: GALNS (galactosamine (N-acetyl)-6-sulfatase; minus strand). Cytogenetic location: 16q24.3.
Variant type: single nucleotide variant.
Coding change: c.1258C>T on transcript NM_000512.5 (MANE Select); coding-DNA position 1258, C replaced by T.
Protein change: p.Pro420Ser; replaces proline 420 with serine.
Molecular consequence: missense variant.
Genome position (GRCh38, 1-based): chr16:88,822,695, G>A on the plus strand (C>T on the coding strand, the complement: GALNS is on the minus strand). VCF-style: chr16-88822695-G-A. GRCh37 (hg19) VCF-style: chr16-88889103-G-A.
Other names: c.703C>T, p.Pro235Ser (NM_001323543.2); c.1276C>T, p.Pro426Ser (NM_001323544.2); short protein forms P235S, P420S, P426S.
Identifiers: ClinVar variation 1048355 (VCV001048355.3), dbSNP rs1341980746, ClinGen allele CA397096420.
Genomic context (GRCh38, chr16:88,822,695, plus strand): 5'-GGGGCAGCTTCGTGTGGTCTTCCAGATTGTGAGTTGTGACCCCTGAAACGTTCTGCCCAG[G>A]GCAGAAATCAATGCCCTGCAATGAGAAGAGGGAAGGTGTGTCCTGGAGCCCCTGACCTGC-3'
Protein context (NP_000503.1, residues 410-430): ENFRQGIDFC[Pro420Ser]GQNVSGVTTH

ClinVar aggregate classification (germline): Uncertain significance (1 of 4 stars; one submission).

Conditions:
Mucopolysaccharidosis, MPS-IV-A (MPS4A). Also called: Mucopolysaccharidosis type IV A; Mucopolysaccharidosis Type IVA; Morquio syndrome A, mild; MORQUIO SYNDROME A; MPS IVA; mucopolysaccharidosis type 4A. Identifiers: Orphanet 309297, Orphanet 582, MedGen C0086651, MONDO:0009659, OMIM 253000.

Allele frequency attached by ClinVar (database versions not stated): gnomAD exomes below 0.00001.
gnomAD v4.1: 1 of 1,612,810 alleles (0.000062%); highest among the groups gnomAD compares: South Asian, 0.0011%; no homozygotes.

Submission:

Laboratory of Diagnosis and Therapy of Lysosomal Disorders, University of Padova
Classification: Uncertain significance for Mucopolysaccharidosis, MPS-IV-A. Last evaluated: 2021-02-01. Review status: criteria provided, single submitter. Criteria: ACMG Guidelines, 2015. Collection method: curation. Allele origin: germline. Affected: yes.
Comment: Absent from gnomAD v2.1.1 (PM2_moderate); multiple lines of computational evidence support a deleterious effect on the gene (PP3_supporting)

Literature cited by the submitters: PubMed 24120057; PubMed 34387910.